The following is an entry in ClinVar:

ClinVar aggregate classification (germline): Uncertain significance (1 of 4 stars; one submission).

Conditions:
Autosomal dominant Parkinson disease 8. Also called: Parkinson disease 8; Parkinson disease 8, susceptibility to; LRRK2-Related Parkinson Disease. Identifiers: Orphanet 411602, MedGen C1846862, MONDO:0011764, OMIM 607060.

Allele frequency attached by ClinVar (database versions not stated): ExAC 0.00001; gnomAD 0.00001; TOPMed 0.00003.
gnomAD v4.1: 6 of 1,613,966 alleles (0.00037%); highest among the groups gnomAD compares: Admixed American, 0.0083%; no homozygotes.

Submission:

Labcorp Genetics (formerly Invitae), Labcorp
Classification: Uncertain significance for Autosomal dominant Parkinson disease 8. Last evaluated: 2022-04-18. Review status: criteria provided, single submitter. Criteria: Invitae Variant Classification Sherloc (09022015). Collection method: clinical testing. Allele origin: germline.
Comment: This sequence change replaces glutamine, which is neutral and polar, with arginine, which is basic and polar, at codon 1961 of the LRRK2 protein (p.Gln1961Arg). This variant is present in population databases (rs769548285, gnomAD 0.006%). This missense change has been observed in individual(s) with Parkinson disease (PMID: 24565865). Algorithms developed to predict the effect of missense changes on protein structure and function are either unavailable or do not agree on the potential impact of this missense change (SIFT: "Tolerated"; PolyPhen-2: "Possibly Damaging"; Align-GVGD: "Class C0"). In summary, the available evidence is currently insufficient to determine the role of this variant in disease. Therefore, it has been classified as a Variant of Uncertain Significance.

Literature cited by the submitters: PubMed 24565865.

NM_198578.4(LRRK2):c.5882A>G (p.Gln1961Arg)

Gene: LRRK2 (leucine rich repeat kinase 2; plus strand). Cytogenetic location: 12q12.
Variant type: single nucleotide variant.
Coding change: c.5882A>G on transcript NM_198578.4 (MANE Select); coding-DNA position 5882, A replaced by G.
Protein change: p.Gln1961Arg; replaces glutamine 1961 with arginine.
Molecular consequence: missense variant.
Genome position (GRCh38, 1-based): chr12:40,335,091, A>G. VCF-style: chr12-40335091-A-G. GRCh37 (hg19) VCF-style: chr12-40728893-A-G.
Other names: short protein forms Q1961R.
Identifiers: ClinVar variation 2162764 (VCV002162764.4), dbSNP rs769548285, ClinGen allele CA6514559.
Genomic context (GRCh38, chr12:40,335,091, plus strand): 5'-GTCCCCGGATGTTGGTGATGGAGTTAGCCTCCAAGGGTTCCTTGGATCGCCTGCTTCAGC[A>G]GGACAAAGCCAGCCTCACTAGAACCCTACAGCACAGGATTGCACTCCACGTAGCTGATGG-3'
Protein context (NP_940980.4, residues 1951-1971): SKGSLDRLLQ[Gln1961Arg]DKASLTRTLQ